The following continues an entry in ClinVar:

NM_007294.4(BRCA1):c.5108A>G (p.Tyr1703Cys)

Gene: BRCA1. ClinVar aggregate classification (germline): Likely pathogenic. Likely pathogenic (1).

Submissions 8 to 10 of 10:

Brotman Baty Institute, University of Washington
No classification provided (evidence only). Condition: Breast-ovarian cancer, familial 1. Review status: no classification provided. Collection method: in vitro. Allele origin: not applicable. Functional consequence: functionally_abnormal. Not counted in ClinVar's aggregate classification.
ClinVar note: "not provided" was previously submitted as the classification for the variant. However, the classification appeared to be based only on an observation of functional data so it was converted to no classification on 2025-07-30.

Victorian Clinical Genetics Services, Murdoch Childrens Research Institute
Classification: Uncertain significance for Fanconi anemia, complementation group S. Last evaluated: 2021-05-06. Review status: flagged submission. Criteria: ACMG Guidelines, 2015. Collection method: clinical testing. Allele origin: germline. Inheritance: Autosomal recessive inheritance. Not counted in ClinVar's aggregate classification.
Comment: Based on the classification scheme VCGS_Germline_v1.3.4, this variant is classified as VUS-3B. Following criteria are met: 0102 - Loss of function is a known mechanism of disease in this gene and is associated with Fanconi anemia, complementation group S (MIM#617883). (I) 0106 - This gene is associated with autosomal recessive disease. (I) 0112 - The condition associated with this gene has incomplete penetrance (Gene Reviews). (I) 0200 - Variant is predicted to result in a missense amino acid change from tyrosine to cysteine. (I) 0301 - Variant is absent from gnomAD (both v2 and v3). (SP) 0501 - Missense variant consistently predicted to be damaging by multiple in silico tools or highly conserved with a major amino acid change. (SP) 0600 - Variant is located in the annotated BRCT_1 domain (DECIPHER, uniprot, NCBI). (I) 0710 - Other missense variants comparable to the one identified in this case have inconclusive previous evidence for pathogenicity. p.(Tyr1703Asp) and p.(Tyr1703His) are classified as VUS by diagnostic laboratories in ClinVar. The latter has also been reported in one family suspected to have an underlying hereditary cancer predisposition (PMID: 30093976). (I) 0809 - Previous evidence of pathogenicity for this variant is inconclusive. It has been reported in at least two breast and ovarian cancer patients, with the germline origin of the variant proven. In addition, it has been classified as VUS and likely pathogenic by diagnostic laboratories in ClinVar (PMID: 25948282, 29116469). (I) 1002 - This variant has moderate functional evidence supporting abnormal protein function. In vitro genome editing assays have demonstrated a loss-of-function effect by this variant (PMID: 30209399). (SP) 1102 - Strong phenotype match for this individual. (SP) 1208 - Inheritance information for this variant is not currently available in this individual. (I) Legend: (SP) - Supporting pathogenic, (I) - Information, (SB) - Supporting benign
ClinVar note: Reason: Conflicts with expert reviewed submission without evidence to support different classification

Department of Pathology and Laboratory Medicine, Sinai Health System
Classification: Uncertain significance for Fanconi anemia, complementation group S. Last evaluated: 2020-02-21. Review status: flagged submission. Criteria: ACMG Guidelines, 2015. Collection method: clinical testing. Allele origin: germline. Not counted in ClinVar's aggregate classification.
ClinVar note: Reason: Conflicts with expert reviewed submission without evidence to support different classification

Literature cited by the submitters: PubMed 25948282 (cited by 5 submitters); PubMed 23613828 (cited by Mendelics and Ambry Genetics); PubMed 32211327 (cited by Labcorp Genetics (formerly Invitae), Labcorp and Ambry Genetics); PubMed 33758026 (cited by 3 submitters); PubMed 30209399 (cited by 4 submitters); PubMed 29116469 (cited by 3 submitters); PubMed 31853058 (cited by Color Diagnostics, LLC DBA Color Health); PubMed 33471991 (cited by Color Diagnostics, LLC DBA Color Health); PubMed 33691754 (cited by Color Diagnostics, LLC DBA Color Health); PubMed 18285836 (cited by Ambry Genetics); PubMed 30093976 (cited by Victorian Clinical Genetics Services, Murdoch Childrens Research Institute).